The following is an entry in ClinVar:

NM_001009944.3(PKD1):c.7915C>G (p.Arg2639Gly)

Gene: PKD1 (polycystin 1, transient receptor potential channel interacting; minus strand). Cytogenetic location: 16p13.3.
Variant type: single nucleotide variant.
Coding change: c.7915C>G on transcript NM_001009944.3 (MANE Select); coding-DNA position 7915, C replaced by G.
Protein change: p.Arg2639Gly; replaces arginine 2639 with glycine.
Molecular consequence: missense variant.
Genome position (GRCh38, 1-based): chr16:2,105,423, G>C on the plus strand (C>G on the coding strand, the complement: PKD1 is on the minus strand). VCF-style: chr16-2105423-G-C. GRCh37 (hg19) VCF-style: chr16-2155424-G-C.
Other names: c.7915C>G, p.Arg2639Gly (NM_000296.4); short protein forms R2639G.
Identifiers: ClinVar variation 4137426 (VCV004137426.2).
Genomic context (GRCh38, chr16:2,105,423, plus strand): 5'-CCACAGTGTGGACCCTCAGGGACACCAGAGTCTCCGTGATGTTCTTGCGTATCTGGGCTC[G>C]GTGCTGCCGCTCGTGCTTGGGCTCTGCCGCCACGTCCAGGGCCCGCTCGTACTGGGGCAG-3'
Protein context (NP_001009944.3, residues 2629-2649): AAEPKHERQH[Arg2639Gly]AQIRKNITET

ClinVar aggregate classification (germline): Uncertain significance. Review status: criteria provided, multiple submitters, no conflicts (2 of 4 stars). 2 submissions from 2 submitters: Uncertain significance (2). Last evaluated 2026-05-18.

Conditions:
PKD1-related disorder. Also called: PKD1-related condition.
Inborn genetic diseases. Identifiers: MedGen C0950123, MeSH D030342.

gnomAD v4.1: 4 of 1,585,002 alleles (0.00025%); highest among the groups gnomAD compares: Non-Finnish European, 0.00034%; no homozygotes.

Submissions (2):

PreventionGenetics, part of Exact Sciences
Classification: Uncertain significance for PKD1-related condition. Last evaluated: 2026-05-18. Review status: criteria provided, single submitter. Criteria: ACMG Guidelines, 2015. Collection method: clinical testing. Allele origin: germline.
Comment: The PKD1 c.7915C>G variant is predicted to result in the amino acid substitution p.Arg2639Gly. To our knowledge, this variant has not been reported in the literature. This variant is reported in 0.0056% of alleles in individuals of East Asian descent in gnomAD. At this time, the clinical significance of this variant is uncertain due to the absence of conclusive functional and genetic evidence.

Ambry Genetics
Classification: Uncertain significance for Inborn genetic diseases. Last evaluated: 2025-06-18. Review status: criteria provided, single submitter. Criteria: Ambry Variant Classification Scheme 2023. Collection method: clinical testing. Allele origin: germline.